The following is an entry in ClinVar:

ClinVar aggregate classification (germline): Uncertain significance (1 of 4 stars; one submission).

Allele frequency attached by ClinVar (database versions not stated): gnomAD 0.00001; gnomAD exomes 0.00001; ExAC 0.00002; TOPMed 0.00002.
gnomAD v4.1: 16 of 1,613,868 alleles (0.00099%); highest among the groups gnomAD compares: Non-Finnish European, 0.0014%; no homozygotes.

Submission:

Labcorp Genetics (formerly Invitae), Labcorp
Classification: Uncertain significance. Last evaluated: 2025-04-07. Review status: criteria provided, single submitter. Criteria: Invitae Variant Classification Sherloc (09022015). Collection method: clinical testing. Allele origin: germline.
Comment: This sequence change replaces serine, which is neutral and polar, with threonine, which is neutral and polar, at codon 520 of the FAT1 protein (p.Ser520Thr). This variant is present in population databases (rs769346214, gnomAD 0.002%). This variant has not been reported in the literature in individuals affected with FAT1-related conditions. ClinVar contains an entry for this variant (Variation ID: 1378393). Invitae Evidence Modeling of protein sequence and biophysical properties (such as structural, functional, and spatial information, amino acid conservation, physicochemical variation, residue mobility, and thermodynamic stability) indicates that this missense variant is not expected to disrupt FAT1 protein function with a negative predictive value of 80%. In summary, the available evidence is currently insufficient to determine the role of this variant in disease. Therefore, it has been classified as a Variant of Uncertain Significance.

NM_005245.4(FAT1):c.1559G>C (p.Ser520Thr)

Gene: FAT1 (FAT atypical cadherin 1; minus strand). Cytogenetic location: 4q35.2.
Variant type: single nucleotide variant.
Coding change: c.1559G>C on transcript NM_005245.4 (MANE Select); coding-DNA position 1559, G replaced by C.
Protein change: p.Ser520Thr; replaces serine 520 with threonine.
Molecular consequence: missense variant.
Genome position (GRCh38, 1-based): chr4:186,708,269, C>G on the plus strand (G>C on the coding strand, the complement: FAT1 is on the minus strand). VCF-style: chr4-186708269-C-G. GRCh37 (hg19) VCF-style: chr4-187629423-C-G.
Other names: short protein forms S520T.
Identifiers: ClinVar variation 1378393 (VCV001378393.6), dbSNP rs769346214, ClinGen allele CA3167442.